The following is an entry in ClinVar:

ClinVar aggregate classification (germline): Uncertain significance (1 of 4 stars; one submission).

gnomAD v4.1: 4 of 1,613,054 alleles (0.00025%); highest among the groups gnomAD compares: Non-Finnish European, 0.00025%; no homozygotes.

Submission:

GeneDx
Classification: Uncertain significance. Last evaluated: 2025-07-31. Review status: criteria provided, single submitter. Criteria: GeneDx Variant Classification Process June 2021. Collection method: clinical testing. Allele origin: germline. Affected: yes.
Comment: Not observed at significant frequency in large population cohorts (gnomAD); In silico analysis suggests that this missense variant does not alter protein structure/function; Has not been previously published as pathogenic or benign to our knowledge

NM_198578.4(LRRK2):c.1423A>G (p.Thr475Ala)

Gene: LRRK2 (leucine rich repeat kinase 2; plus strand). Cytogenetic location: 12q12.
Variant type: single nucleotide variant.
Coding change: c.1423A>G on transcript NM_198578.4 (MANE Select); coding-DNA position 1423, A replaced by G.
Protein change: p.Thr475Ala; replaces threonine 475 with alanine.
Molecular consequence: missense variant.
Genome position (GRCh38, 1-based): chr12:40,259,484, A>G. VCF-style: chr12-40259484-A-G. GRCh37 (hg19) VCF-style: chr12-40653286-A-G.
Other names: short protein forms T475A.
Identifiers: ClinVar variation 4690089 (VCV004690089.1).